The following is an entry in ClinVar:

NM_001042492.3(NF1):c.446A>C (p.Asn149Thr)

Gene: NF1 (neurofibromin 1; plus strand). Cytogenetic location: 17q11.2.
Variant type: single nucleotide variant.
Coding change: c.446A>C on transcript NM_001042492.3 (MANE Select); coding-DNA position 446, A replaced by C.
Protein change: p.Asn149Thr; replaces asparagine 149 with threonine.
Molecular consequence: missense variant.
Genome position (GRCh38, 1-based): chr17:31,163,343, A>C. VCF-style: chr17-31163343-A-C. GRCh37 (hg19) VCF-style: chr17-29490361-A-C.
Other names: c.446A>C, p.Asn149Thr (NM_000267.4, NM_001128147.3); short protein forms N149T.
Identifiers: ClinVar variation 1354777 (VCV001354777.19), dbSNP rs2143673370, ClinGen allele CA398981969.
Genomic context (GRCh38, chr17:31,163,343, plus strand): 5'-AGCATGCAGCTGAACTTCGGAATTCTGCCTCTGGGGTTTTATTTTCTCTCAGCTGCAACA[A>C]CTTCAATGCAGTCTTTAGTCGCATTTCTACCAGGTTAGTGTGTAAATCCACATGGGACTA-3'
Protein context (NP_001035957.1, residues 139-159): SGVLFSLSCN[Asn149Thr]FNAVFSRIST

ClinVar aggregate classification (germline): Uncertain significance. Review status: criteria provided, multiple submitters, no conflicts (2 of 4 stars). 3 submissions from 3 submitters: Uncertain significance (3). Last evaluated 2025-06-01.

Conditions:
Hereditary cancer-predisposing syndrome. Also called: Hereditary Cancer Syndrome; Tumor predisposition; Neoplastic Syndromes, Hereditary; Hereditary neoplastic syndrome. Identifiers: Orphanet 140162, MedGen C0027672, MeSH D009386, MONDO:0015356.
Cardiovascular phenotype. Identifiers: MedGen CN230736.
Neurofibromatosis, type 1 (NF1). Also called: NEUROFIBROMATOSIS, TYPE I, SOMATIC; VON RECKLINGHAUSEN DISEASE; Peripheral type neurofibromatosis; Neurofibromatosis, type I. Identifiers: Orphanet 636, MedGen C0027831, MONDO:0018975, OMIM 162200. Disease mechanism: loss of function.

Submissions (3):

CeGaT Center for Human Genetics Tuebingen
Classification: Uncertain significance. Last evaluated: 2025-06-01. Review status: criteria provided, single submitter. Criteria: CeGaT Center For Human Genetics Tuebingen Variant Classification Criteria Version 2. Collection method: clinical testing. Allele origin: germline. Affected: yes. Observed: 1 variant allele.
Comment: NF1: PM2, PP3

Labcorp Genetics (formerly Invitae), Labcorp
Classification: Uncertain significance for Neurofibromatosis, type 1. Last evaluated: 2025-02-02. Review status: criteria provided, single submitter. Criteria: Invitae Variant Classification Sherloc (09022015). Collection method: clinical testing. Allele origin: germline.
Comment: This sequence change replaces asparagine, which is neutral and polar, with threonine, which is neutral and polar, at codon 149 of the NF1 protein (p.Asn149Thr). This variant is not present in population databases (gnomAD no frequency). This variant has not been reported in the literature in individuals affected with NF1-related conditions. ClinVar contains an entry for this variant (Variation ID: 1354777). Invitae Evidence Modeling of protein sequence and biophysical properties (such as structural, functional, and spatial information, amino acid conservation, physicochemical variation, residue mobility, and thermodynamic stability) indicates that this missense variant is expected to disrupt NF1 protein function with a positive predictive value of 95%. In summary, the available evidence is currently insufficient to determine the role of this variant in disease. Therefore, it has been classified as a Variant of Uncertain Significance.

Ambry Genetics
Classification: Uncertain significance for Cardiovascular phenotype; Hereditary cancer-predisposing syndrome. Last evaluated: 2023-05-11. Review status: criteria provided, single submitter. Criteria: Ambry Variant Classification Scheme 2023. Collection method: clinical testing. Allele origin: germline.
Comment: The p.N149T variant (also known as c.446A>C), located in coding exon 4 of the NF1 gene, results from an A to C substitution at nucleotide position 446. The asparagine at codon 149 is replaced by threonine, an amino acid with similar properties. This amino acid position is highly conserved in available vertebrate species. In addition, the in silico prediction for this alteration is inconclusive. Since supporting evidence is limited at this time, the clinical significance of this alteration remains unclear.